The following is an entry in ClinVar:

NM_016169.4(SUFU):c.757-5A>G

Gene: SUFU (SUFU negative regulator of hedgehog signaling; plus strand). Cytogenetic location: 10q24.32.
Variant type: single nucleotide variant.
Coding change: c.757-5A>G on transcript NM_016169.4 (MANE Select); 5 bases into the intron before coding-DNA position 757, A replaced by G.
Molecular consequence: intron variant.
Genome position (GRCh38, 1-based): chr10:102,597,135, A>G. VCF-style: chr10-102597135-A-G. GRCh37 (hg19) VCF-style: chr10-104356892-A-G.
Other names: c.757-5A>G (NM_001178133.2).
Identifiers: ClinVar variation 653667 (VCV000653667.9), dbSNP rs1590065871, ClinGen allele CA915947559.

ClinVar aggregate classification (germline): Uncertain significance (1 of 4 stars; one submission).

Conditions:
Gorlin syndrome. Also called: Nevoid Basal Cell Carcinoma Syndrome; Basal cell nevus syndrome. Identifiers: Orphanet 377, MedGen C0004779, MONDO:0007187.
Medulloblastoma (MDB). Also called: MEDULLOBLASTOMA PREDISPOSITION SYNDROME; Medulloblastoma, somatic. Identifiers: Orphanet 616, MedGen C0025149, MeSH D008527, MONDO:0007959, OMIM 155255, HP:0002885.

Submission:

Labcorp Genetics (formerly Invitae), Labcorp
Classification: Uncertain significance for Gorlin syndrome; Medulloblastoma. Last evaluated: 2018-10-04. Review status: criteria provided, single submitter. Criteria: Invitae Variant Classification Sherloc (09022015). Collection method: clinical testing. Allele origin: germline.
Comment: This sequence change falls in intron 6 of the SUFU gene. It does not directly change the encoded amino acid sequence of the SUFU protein. This variant is not present in population databases (ExAC no frequency). This variant has not been reported in the literature in individuals with SUFU-related disease. Algorithms developed to predict the effect of sequence changes on RNA splicing suggest that this variant may disrupt the consensus splice site, but this prediction has not been confirmed by published transcriptional studies. In summary, the available evidence is currently insufficient to determine the role of this variant in disease. Therefore, it has been classified as a Variant of Uncertain Significance.